The following is an entry in ClinVar:

ClinVar aggregate classification (germline): Likely benign (0 of 4 stars; one submission).

Conditions:
WRN-related disorder. Also called: WRN-related condition.

Submission:

PreventionGenetics, part of Exact Sciences
Classification: Likely benign for WRN-related condition. Last evaluated: 2022-03-10. Review status: no assertion criteria provided. Collection method: clinical testing. Allele origin: germline.
Comment: This variant is classified as likely benign based on ACMG/AMP sequence variant interpretation guidelines (Richards et al. 2015 PMID: 25741868, with internal and published modifications).

NM_000553.6(WRN):c.3573-31TTG[6]

Gene: WRN (WRN RecQ like helicase; plus strand). Cytogenetic location: 8p12.
Variant type: Microsatellite.
Coding change: c.3573-31TTG[6] on transcript NM_000553.6 (MANE Select); six copies in a row of the 3-base unit TTG starting at c.3573-31.
Molecular consequence: intron variant.
Genome position: GRCh38 VCF-style: chr8-31150309-TTTG-T. GRCh37 (hg19) VCF-style: chr8-31007825-TTTG-T.
Identifiers: ClinVar variation 3045222 (VCV003045222.2), dbSNP rs560446016, ClinGen allele CA4705111.
Genomic context (GRCh38, chr8:31,150,309, plus strand): 5'-AGGAAGCTGAACATCAGCTATATTGCTGGAGTGATACTGTTTCAGTGGTTTCTTGACCTT[TTTG>T]TTGTTGTTGTTGTTGTTGTTAAACACAGACCAACTACGGTTGAAAACGTAAAAAGGATTG-3'